The following is an entry in ClinVar:

ClinVar aggregate classification (germline): Pathogenic (1 of 4 stars; one submission).

Conditions:
Primary ciliary dyskinesia. Also called: Ciliary dyskinesia. Identifiers: Orphanet 244, MedGen C0008780, MONDO:0016575, HP:0012265.

Submission:

Labcorp Genetics (formerly Invitae), Labcorp
Classification: Pathogenic for Primary ciliary dyskinesia. Last evaluated: 2024-05-22. Review status: criteria provided, single submitter. Criteria: Invitae Variant Classification Sherloc (09022015). Collection method: clinical testing. Allele origin: germline.
Comment: This sequence change creates a premature translational stop signal (p.Arg3502Aspfs*17) in the DNAH5 gene. It is expected to result in an absent or disrupted protein product. Loss-of-function variants in DNAH5 are known to be pathogenic (PMID: 11788826, 16627867). This variant is not present in population databases (gnomAD no frequency). This variant has not been reported in the literature in individuals affected with DNAH5-related conditions. ClinVar contains an entry for this variant (Variation ID: 525240). For these reasons, this variant has been classified as Pathogenic.

Literature cited by the submitters: PubMed 11788826; PubMed 16627867.

NM_001369.3(DNAH5):c.10504del (p.Arg3502fs)

Gene: DNAH5 (dynein axonemal heavy chain 5; minus strand). Cytogenetic location: 5p15.2.
Variant type: Deletion.
Coding change: c.10504del on transcript NM_001369.3 (MANE Select); coding-DNA position 10504, one base deleted (A; older notation c.10504delA).
Protein change: p.Arg3502fs; shifts the reading frame from arginine 3502.
Molecular consequence: frameshift variant.
Genome position (GRCh38, 1-based): chr5:13,754,254, T deleted on the plus strand (A on the coding strand, the reverse complement: DNAH5 is on the minus strand); the first of 3 consecutive T bases (chr5:13,754,254-13,754,256); deleting any one gives the same sequence. VCF-style (leftmost placement, unchanged base first): chr5-13754253-CT-C. GRCh37 (hg19) VCF-style: chr5-13754362-CT-C.
Other names: c.10504delA (NM_001369.2); short protein forms R3502fs.
Identifiers: ClinVar variation 525240 (VCV000525240.7), dbSNP rs1554035330, ClinGen allele CA658796501.